The following is an entry in ClinVar:

NM_024426.6(WT1):c.776G>T (p.Gly259Val)

Gene: WT1 (WT1 transcription factor; minus strand). Cytogenetic location: 11p13.
Variant type: single nucleotide variant.
Coding change: c.776G>T on transcript NM_024426.6 (MANE Select); coding-DNA position 776, G replaced by T.
Protein change: p.Gly259Val; replaces glycine 259 with valine.
Molecular consequence: missense variant. On other transcripts: non-coding transcript variant (2), intron variant (2).
Genome position (GRCh38, 1-based): chr11:32,428,505, C>A on the plus strand (G>T on the coding strand, the complement: WT1 is on the minus strand). VCF-style: chr11-32428505-C-A. GRCh37 (hg19) VCF-style: chr11-32450051-C-A.
Other names: c.776G>T, p.Gly259Val (NM_000378.6, NM_001407044.1, NM_001407045.1 and 4 more transcripts); c.125G>T, p.Gly42Val (NM_001198551.2, NM_001198552.2); c.14G>T, p.Gly5Val (NM_001407051.1); c.557G>T, p.Gly186Val (NM_001429031.1, NM_001429032.1, NM_001429033.1 and 1 more transcripts); c.662-447G>T (NM_001407050.1, NM_001407047.1); short protein forms G186V, G254V, G259V, G42V, G5V.
Identifiers: ClinVar variation 4866796 (VCV004866796.1).

ClinVar aggregate classification (germline): Uncertain significance (1 of 4 stars; one submission).

Conditions:
Inborn genetic diseases. Identifiers: MedGen C0950123, MeSH D030342.

Submission:

Ambry Genetics
Classification: Uncertain significance for Inborn genetic diseases. Last evaluated: 2026-04-19. Review status: criteria provided, single submitter. Criteria: Ambry Variant Classification Scheme 2023. Collection method: clinical testing. Allele origin: germline.
Comment: The p.G254V variant (also known as c.761G>T), located in coding exon 2 of the WT1 gene, results from a G to T substitution at nucleotide position 761. The glycine at codon 254 is replaced by valine, an amino acid with dissimilar properties. This amino acid position is conserved. In addition, the in silico prediction for this alteration is inconclusive. Based on the available evidence, the clinical significance of this variant remains unclear.